The following is an entry in ClinVar:

ClinVar aggregate classification (germline): Benign (1 of 4 stars; one submission).

Allele frequency attached by ClinVar (database versions not stated): 1000 Genomes Project 30x 0.00453; TOPMed 0.00485; gnomAD 0.00515 and 0.00539; 1000 Genomes Project 0.00519; gnomAD exomes 0.00663; ESP Exome Variant Server 0.00693; ExAC 0.01044.
gnomAD v4.1: 11,853 of 1,600,780 alleles (0.74%); highest among the groups gnomAD compares: Middle Eastern, 1.2%; 59 homozygotes.

Submission:

CeGaT Center for Human Genetics Tuebingen
Classification: Benign. Last evaluated: 2026-09-01. Review status: criteria provided, single submitter. Criteria: CeGaT Center For Human Genetics Tuebingen Variant Classification Criteria Version 2. Collection method: clinical testing. Allele origin: germline. Affected: yes. Observed: 27 variant alleles.
Comment: ABCA2: BP4, BP7, BS1, BS2

NM_001606.5(ABCA2):c.3939G>A (p.Thr1313=)

Gene: ABCA2 (ATP binding cassette subfamily A member 2; minus strand). Cytogenetic location: 9q34.3.
Variant type: single nucleotide variant.
Coding change: c.3939G>A on transcript NM_001606.5 (MANE Select); coding-DNA position 3939, G replaced by A.
Protein change: p.Thr1313=; no amino-acid change (threonine 1313 retained).
Molecular consequence: synonymous variant.
Genome position (GRCh38, 1-based): chr9:137,014,754, C>T on the plus strand (G>A on the coding strand, the complement: ABCA2 is on the minus strand). VCF-style: chr9-137014754-C-T. GRCh37 (hg19) VCF-style: chr9-139909206-C-T.
Other names: c.3936G>A, p.Thr1312= (NM_001411042.1); c.4029G>A, p.Thr1343= (NM_212533.3).
Identifiers: ClinVar variation 1695275 (VCV001695275.31), dbSNP rs148980220, ClinGen allele CA5354575.